The following is an entry in ClinVar:

NM_000143.4(FH):c.1474C>G (p.Leu492Val)

Gene: FH (fumarate hydratase; minus strand). Cytogenetic location: 1q43.
Variant type: single nucleotide variant.
Coding change: c.1474C>G on transcript NM_000143.4 (MANE Select); coding-DNA position 1474, C replaced by G.
Protein change: p.Leu492Val; replaces leucine 492 with valine.
Molecular consequence: missense variant.
Genome position (GRCh38, 1-based): chr1:241,497,887, G>C on the plus strand (C>G on the coding strand, the complement: FH is on the minus strand). VCF-style: chr1-241497887-G-C. GRCh37 (hg19) VCF-style: chr1-241661187-G-C.
Other names: short protein forms L492V.
Identifiers: ClinVar variation 834130 (VCV000834130.16), dbSNP rs1659663430, ClinGen allele CA345450469.
Genomic context (GRCh38, chr1:241,497,887, plus strand): 5'-ATCACTTTGGACCCAGCATGTCCTTAGGTTTTACCCATTCGTCAAACTGCTCTGCTGTGA[G>C]ATAGCCAAGTTCGATAGCAGTTTCCTTTAAGGTTGATCCATTTTTGTGTGCTGTCTTAGC-3'
Protein context (NP_000134.2, residues 482-502): LKETAIELGY[Leu492Val]TAEQFDEWVK

ClinVar aggregate classification (germline): Uncertain significance. Review status: criteria provided, multiple submitters, no conflicts (2 of 4 stars). 4 submissions from 4 submitters: Uncertain significance (3). 1 of the submissions does not count toward it. Last evaluated 2025-08-04.

Conditions:
Fumarase deficiency (FMRD). Also called: Fumaric aciduria; Fumarate Hydratase Deficiency. Identifiers: Orphanet 24, MedGen C0342770, MONDO:0011730, OMIM 606812.
Hereditary cancer-predisposing syndrome. Also called: Neoplastic Syndromes, Hereditary; Hereditary neoplastic syndrome; Tumor predisposition; Hereditary Cancer Syndrome. Identifiers: Orphanet 140162, MedGen C0027672, MeSH D009386, MONDO:0015356.

gnomAD v4.1: 1 of 1,613,412 alleles (0.000062%); no homozygotes.

Submissions (4):

Ambry Genetics
Classification: Uncertain significance for Hereditary cancer-predisposing syndrome. Last evaluated: 2025-08-04. Review status: criteria provided, single submitter. Criteria: Ambry Variant Classification Scheme 2023. Collection method: clinical testing. Allele origin: germline.
Comment: The p.L492V variant (also known as c.1474C>G), located in coding exon 10 of the FH gene, results from a C to G substitution at nucleotide position 1474. The leucine at codon 492 is replaced by valine, an amino acid with highly similar properties. This amino acid position is highly conserved in available vertebrate species. In addition, this alteration is predicted to be deleterious by in silico analysis. Based on the available evidence, the clinical significance of this variant remains unclear.

Labcorp Genetics (formerly Invitae), Labcorp
Classification: Uncertain significance. Last evaluated: 2024-12-19. Review status: criteria provided, single submitter. Criteria: Invitae Variant Classification Sherloc (09022015). Collection method: clinical testing. Allele origin: germline.
Comment: This sequence change replaces leucine, which is neutral and non-polar, with valine, which is neutral and non-polar, at codon 492 of the FH protein (p.Leu492Val). This variant is not present in population databases (gnomAD no frequency). This variant has not been reported in the literature in individuals affected with FH-related conditions. ClinVar contains an entry for this variant (Variation ID: 834130). Invitae Evidence Modeling of protein sequence and biophysical properties (such as structural, functional, and spatial information, amino acid conservation, physicochemical variation, residue mobility, and thermodynamic stability) indicates that this missense variant is not expected to disrupt FH protein function with a negative predictive value of 95%. In summary, the available evidence is currently insufficient to determine the role of this variant in disease. Therefore, it has been classified as a Variant of Uncertain Significance.

Baylor Genetics
Classification: Uncertain significance for Fumarase deficiency. Last evaluated: 2024-03-19. Review status: criteria provided, single submitter. Criteria: ACMG Guidelines, 2015. Collection method: clinical testing. Allele origin: unknown.

Natera, Inc.
Classification: Uncertain significance for Fumarase Deficiency. Last evaluated: 2021-03-30. Review status: no assertion criteria provided. Collection method: clinical testing. Allele origin: germline. Not counted in ClinVar's aggregate classification.

Literature cited by the submitters: PubMed 26580448 (cited by Ambry Genetics).